The following is an entry in ClinVar:

ClinVar aggregate classification (germline): Uncertain significance (1 of 4 stars; one submission).

Conditions:
Familial thoracic aortic aneurysm and aortic dissection (TAAD). Also called: Thoracic aortic aneurysms and dissections. Identifiers: Orphanet 91387, MedGen C4707243, MONDO:0019625.

Submission:

Ambry Genetics
Classification: Uncertain significance for Familial thoracic aortic aneurysm and aortic dissection. Last evaluated: 2026-06-06. Review status: criteria provided, single submitter. Criteria: Ambry Variant Classification Scheme 2023. Collection method: clinical testing. Allele origin: germline.
Comment: The p.T902S variant (also known as c.2704A>T), located in coding exon 33 of the COL5A1 gene, results from an A to T substitution at nucleotide position 2704. The threonine at codon 902 is replaced by serine, an amino acid with similar properties. This amino acid position is conserved. In addition, the in silico prediction for this alteration is inconclusive. Based on the available evidence, the clinical significance of this variant remains unclear.

NM_000093.5(COL5A1):c.2704A>T (p.Thr902Ser)

Gene: COL5A1 (collagen type V alpha 1 chain; plus strand). Cytogenetic location: 9q34.3.
Variant type: single nucleotide variant.
Coding change: c.2704A>T on transcript NM_000093.5 (MANE Select); coding-DNA position 2704, A replaced by T.
Protein change: p.Thr902Ser; replaces threonine 902 with serine.
Molecular consequence: missense variant.
Genome position (GRCh38, 1-based): chr9:134,795,085, A>T. VCF-style: chr9-134795085-A-T. GRCh37 (hg19) VCF-style: chr9-137686931-A-T.
Other names: c.2704A>T, p.Thr902Ser (NM_001278074.1); short protein forms T902S.
Identifiers: ClinVar variation 4869233 (VCV004869233.1).